The following is an entry in ClinVar:

NM_000152.5(GAA):c.1030G>A (p.Gly344Ser)

Gene: GAA (alpha glucosidase; plus strand). Cytogenetic location: 17q25.3.
Variant type: single nucleotide variant.
Coding change: c.1030G>A on transcript NM_000152.5 (MANE Select); coding-DNA position 1030, G replaced by A.
Protein change: p.Gly344Ser; replaces glycine 344 with serine.
Molecular consequence: missense variant.
Genome position (GRCh38, 1-based): chr17:80,108,364, G>A. VCF-style: chr17-80108364-G-A. GRCh37 (hg19) VCF-style: chr17-78082163-G-A.
Other names: c.1030G>A, p.Gly344Ser (NM_001079803.3, NM_001079804.3, NM_001406741.1 and 1 more transcripts); short protein forms G344S.
Identifiers: ClinVar variation 4876506 (VCV004876506.1).
Genomic context (GRCh38, chr17:80,108,364, plus strand): 5'-CCGAGCCCTGCCCTTAGCTGGAGGTCGACAGGTGGGATCCTGGATGTCTACATCTTCCTG[G>A]GCCCAGAGCCCAAGAGCGTGGTGCAGCAGTACCTGGACGTTGTGGGTAGGGCCTGCTCCC-3'
Protein context (NP_000143.2, residues 334-354): GGILDVYIFL[Gly344Ser]PEPKSVVQQY

ClinVar aggregate classification (germline): Uncertain significance (1 of 4 stars; one submission).

Conditions:
Glycogen storage disease, type II (IOPD). Also called: Pompe Disease; CARDIOMEGALIA GLYCOGENICA DIFFUSA; GLYCOGENOSIS, GENERALIZED, CARDIAC FORM; GSD II; POMPE DISEASE, INFANTILE-ONSET; GLYCOGEN STORAGE DISEASE II, INFANTILE-ONSET. Identifiers: Orphanet 365, MedGen C0017921, MONDO:0009290, OMIM 232300.

Submission:

Genomenon, Inc
Classification: Uncertain significance for Glycogen storage disease, type II. Last evaluated: 2026-07-01. Review status: criteria provided, single submitter. Criteria: Genomenon Sequence Variant Interpretation Standards - Updated. Collection method: curation. Allele origin: germline. Affected: yes.
Comment: GAA p.Gly344Ser (c.1030G>A) is a missense variant that changes the amino acid at codon 344 from Glycine to Serine. This variant has been observed in at least one proband with a GAA-related disorder in the compound heterozygous and/or homozygous state (PMID:38043017). It is absent or not present at a significant frequency in gnomAD. In silico models predict that this variant is possibly or probably damaging. In conclusion, we classify GAA p.Gly344Ser (c.1030G>A) as a variant of uncertain significance.

Literature cited by the submitters: PubMed 38043017.